The following is an entry in ClinVar:

NM_001733.7(C1R):c.1532C>T (p.Ala511Val)

Gene: C1R (complement C1r; minus strand). Cytogenetic location: 12p13.31.
Variant type: single nucleotide variant.
Coding change: c.1532C>T on transcript NM_001733.7 (MANE Select); coding-DNA position 1532, C replaced by T.
Protein change: p.Ala511Val; replaces alanine 511 with valine.
Molecular consequence: missense variant.
Genome position (GRCh38, 1-based): chr12:7,081,118, G>A on the plus strand (C>T on the coding strand, the complement: C1R is on the minus strand). VCF-style: chr12-7081118-G-A. GRCh37 (hg19) VCF-style: chr12-7188422-G-A.
Other names: c.1532C>T (NM_001733.4); c.1574C>T, p.Ala525Val (NM_001354346.2); short protein forms A525V, A511V.
Identifiers: ClinVar variation 4915517 (VCV004915517.2).

ClinVar aggregate classification (germline): Conflicting classifications of pathogenicity. Review status: criteria provided, conflicting classifications (1 of 4 stars). 2 submissions from 2 submitters: Uncertain significance (1); Likely benign (1). Last evaluated 2025-03-13.

Conditions:
C1R-related disorder. Also called: C1R-related condition.

gnomAD v4.1: 115 of 1,614,008 alleles (0.0071%); highest among the groups gnomAD compares: Admixed American, 0.063%; no homozygotes.

Submissions (2):

PreventionGenetics, part of Exact Sciences
Classification: Uncertain significance for C1R-related condition. Last evaluated: 2025-03-13. Review status: criteria provided, single submitter. Criteria: ACMG Guidelines, 2015. Collection method: clinical testing. Allele origin: germline.
Comment: The C1R c.1532C>T variant is predicted to result in the amino acid substitution p.Ala511Val. To our knowledge, this variant has not been reported in the literature. This variant is reported in 0.056% of alleles in individuals of South Asian descent in gnomAD. Although we suspect that this variant may be benign, at this time, the clinical significance of this variant is uncertain due to the absence of conclusive functional and genetic evidence.

Blueprint Genetics
Classification: Likely benign. Last evaluated: 2022-10-24. Review status: criteria provided, single submitter. Criteria: ACMG Guidelines, 2015. Collection method: clinical testing. Allele origin: germline.